The following is an entry in ClinVar:

ClinVar aggregate classification (germline): Likely benign (1 of 4 stars; one submission).

gnomAD v4.1: 15 of 1,614,124 alleles (0.00093%); highest among the groups gnomAD compares: Admixed American, 0.005%; no homozygotes.

Submission:

CeGaT Center for Human Genetics Tuebingen
Classification: Likely benign. Last evaluated: 2025-09-01. Review status: criteria provided, single submitter. Criteria: CeGaT Center For Human Genetics Tuebingen Variant Classification Criteria Version 2. Collection method: clinical testing. Allele origin: germline. Affected: yes. Observed: 1 variant allele.
Comment: ZNF142: BP4, BP7

NM_001379659.1(ZNF142):c.2940A>T (p.Val980=)

Gene: ZNF142 (zinc finger protein 142; minus strand). Cytogenetic location: 2q35.
Variant type: single nucleotide variant.
Coding change: c.2940A>T on transcript NM_001379659.1 (MANE Select); coding-DNA position 2940, A replaced by T.
Protein change: p.Val980=; no amino-acid change (valine 980 retained).
Molecular consequence: synonymous variant.
Genome position (GRCh38, 1-based): chr2:218,644,176, T>A on the plus strand (A>T on the coding strand, the complement: ZNF142 is on the minus strand). VCF-style: chr2-218644176-T-A. GRCh37 (hg19) VCF-style: chr2-219508899-T-A.
Other names: c.2340A>T, p.Val780= (NM_001105537.5, NM_001366291.3, NM_001379662.1); c.1851A>T, p.Val617= (NM_001366287.3, NM_001366288.3, NM_001366289.3); c.2940A>T, p.Val980= (NM_001366290.3, NM_001379660.1, NM_001379661.1).
Identifiers: ClinVar variation 4281049 (VCV004281049.7).
Genomic context (GRCh38, chr2:218,644,176, plus strand): 5'-TGACTCAGGTAATGGGGGCAAGGGTGCTGTCTCAGCAGGTGGAGTTGTCTTGAAGGTTCC[T>A]ACCCAGTTGTTAGGAGCCTCCTCTAAGGATGGAGGATTTGTGGAGGGCTCAGACACTGGC-3'
Protein context (NP_001366588.1, residues 970-990): PSLEEAPNNW[Val980=]GTFKTTPPAE